The following is an entry in ClinVar:

NM_000038.6(APC):c.4959A>G (p.Thr1653=)

Gene: APC (APC regulator of Wnt signaling pathway; plus strand). Cytogenetic location: 5q22.2.
Variant type: single nucleotide variant.
Coding change: c.4959A>G on transcript NM_000038.6 (MANE Select); coding-DNA position 4959, A replaced by G.
Protein change: p.Thr1653=; no amino-acid change (threonine 1653 retained).
Molecular consequence: synonymous variant. On other transcripts: non-coding transcript variant (2).
Genome position (GRCh38, 1-based): chr5:112,840,553, A>G. VCF-style: chr5-112840553-A-G. GRCh37 (hg19) VCF-style: chr5-112176250-A-G.
Other names: c.5013A>G, p.Thr1671= (NM_001354896.2, NM_001407447.1, NM_001407448.1 and 1 more transcripts); c.4989A>G, p.Thr1663= (NM_001354897.2); c.4884A>G, p.Thr1628= (NM_001354898.2); c.4959A>G, p.Thr1653= (NM_001127510.3, NM_001354895.2, NM_001407450.1); c.4905A>G, p.Thr1635= (NM_001127511.3); c.4875A>G, p.Thr1625= (NM_001354899.2); c.4836A>G, p.Thr1612= (NM_001354900.2); c.4782A>G, p.Thr1594= (NM_001354901.2, NM_001407453.1); and 11 more.
Identifiers: ClinVar variation 2806458 (VCV002806458.4), dbSNP rs2149928525, ClinGen allele CA446208720.

ClinVar aggregate classification (germline): Benign/Likely benign. Review status: criteria provided, multiple submitters, no conflicts (2 of 4 stars). 2 submissions from 2 submitters: Benign (1); Likely benign (1). Last evaluated 2024-03-28.

Conditions:
Familial adenomatous polyposis 1 (FAP1). Also called: FAMILIAL ADENOMATOUS POLYPOSIS 1, ATTENUATED; POLYPOSIS, ADENOMATOUS INTESTINAL. Identifiers: MedGen C2713442, MONDO:0021056, OMIM 175100. Disease mechanism: loss of function.

Submissions (2):

Myriad Genetics, Inc.
Classification: Benign for Familial adenomatous polyposis 1. Last evaluated: 2024-03-28. Review status: criteria provided, single submitter. Criteria: Myriad Autosomal Dominant, Autosomal Recessive and X-Linked Classification Criteria (2023). Collection method: clinical testing. Allele origin: unknown.
Comment: This variant is considered benign. This variant is a silent/synonymous amino acid change and it is not expected to impact splicing.

Labcorp Genetics (formerly Invitae), Labcorp
Classification: Likely benign for Familial adenomatous polyposis 1. Last evaluated: 2023-05-25. Review status: criteria provided, single submitter. Criteria: Invitae Variant Classification Sherloc (09022015). Collection method: clinical testing. Allele origin: germline.